The following is an entry in ClinVar:

NM_004656.4(BAP1):c.1951_1953del (p.Lys651del)

Gene: BAP1 (BRCA1 associated deubiquitinase 1; minus strand). Cytogenetic location: 3p21.1.
Variant type: Deletion.
Coding change: c.1951_1953del on transcript NM_004656.4 (MANE Select); coding-DNA positions 1951 to 1953, 3 bases deleted (AAG; older notation c.1951_1953delAAG).
Protein change: p.Lys651del; deletes lysine 651.
Molecular consequence: inframe deletion.
Genome position (GRCh38, 1-based): chr3:52,402,809-52,402,811, CTT deleted on the plus strand (AAG on the coding strand, the reverse complement: BAP1 is on the minus strand). VCF-style (leftmost placement, unchanged base first): chr3-52402808-CCTT-C. GRCh37 (hg19) VCF-style: chr3-52436824-CCTT-C.
Other names: c.1951_1953delAAG (NM_004656.3); c.1951_1953del (LRG_529t1); short protein forms K651del.
Identifiers: ClinVar variation 485250 (VCV000485250.14), dbSNP rs1226165465, ClinGen allele CA658657305.

ClinVar aggregate classification (germline): Uncertain significance. Review status: criteria provided, multiple submitters, no conflicts (2 of 4 stars). 4 submissions from 4 submitters: Uncertain significance (4). Last evaluated 2024-09-27.

Conditions:
BAP1-related tumor predisposition syndrome (TPDS1). Also called: Tumor susceptibility linked to germline BAP1 mutations; BAP1 tumor predisposition syndrome; COMMON Syndrome; TUMOR PREDISPOSITION SYNDROME 1. Identifiers: Orphanet 289539, MedGen C3280492, MONDO:0013692, OMIM 614327.
Hereditary cancer-predisposing syndrome. Also called: Neoplastic Syndromes, Hereditary; Tumor predisposition; Hereditary Cancer Syndrome; Hereditary neoplastic syndrome. Identifiers: Orphanet 140162, MedGen C0027672, MeSH D009386, MONDO:0015356.

Allele frequency attached by ClinVar (database versions not stated): gnomAD exomes below 0.00001; gnomAD 0.00001; TOPMed 0.00001.

Submissions (4):

Labcorp Genetics (formerly Invitae), Labcorp
Classification: Uncertain significance for BAP1-related tumor predisposition syndrome. Last evaluated: 2024-09-27. Review status: criteria provided, single submitter. Criteria: Invitae Variant Classification Sherloc (09022015). Collection method: clinical testing. Allele origin: germline.
Comment: This variant, c.1951_1953del, results in the deletion of 1 amino acid(s) of the BAP1 protein (p.Lys651del), but otherwise preserves the integrity of the reading frame. This variant is not present in population databases (gnomAD no frequency). This variant has not been reported in the literature in individuals affected with BAP1-related conditions. ClinVar contains an entry for this variant (Variation ID: 485250). Experimental studies and prediction algorithms are not available or were not evaluated, and the functional significance of this variant is currently unknown. In summary, the available evidence is currently insufficient to determine the role of this variant in disease. Therefore, it has been classified as a Variant of Uncertain Significance.

Ambry Genetics
Classification: Uncertain significance for Hereditary cancer-predisposing syndrome. Last evaluated: 2024-01-24. Review status: criteria provided, single submitter. Criteria: Ambry Variant Classification Scheme 2023. Collection method: clinical testing. Allele origin: germline.
Comment: The c.1951_1953delAAG variant (also known as p.K651del) is located in coding exon 15 of the BAP1 gene. This variant results from an in-frame AAG deletion at nucleotide positions 1951 to 1953. This results in the in-frame deletion of a lysine at codon 651. This amino acid position is highly conserved in available vertebrate species. In addition, this alteration is predicted to be deleterious by in silico analysis (Choi Y et al. PLoS ONE. 2012; 7(10):e46688). Based on the available evidence, the clinical significance of this alteration remains unclear.

Quest Diagnostics Nichols Institute San Juan Capistrano
Classification: Uncertain significance. Last evaluated: 2022-11-29. Review status: criteria provided, single submitter. Criteria: Quest Diagnostics criteria. Collection method: clinical testing. Allele origin: unknown.
Comment: The variant has not been reported in individuals with BAP1-related conditions in the published literature. The frequency of this variant in the general population, 0.000032 (1/31386 chromosomes), is uninformative in assessment of its pathogenicity. Based on the available information, we are unable to determine the clinical significance of this variant.

GeneDx
Classification: Uncertain significance. Last evaluated: 2022-11-01. Review status: criteria provided, single submitter. Criteria: GeneDx Variant Classification Process June 2021. Collection method: clinical testing. Allele origin: germline. Affected: yes.
Comment: Not observed at significant frequency in large population cohorts (gnomAD); In-frame deletion of 1 amino acid in a non-repeat region; In silico analysis supports a deleterious effect on protein structure/function; Has not been previously published as pathogenic or benign to our knowledge